The following is an entry in ClinVar:

NM_033400.3(ZFHX2):c.2373C>T (p.His791=)

Genes: THTPA (thiamine triphosphatase; plus strand), ZFHX2 (zinc finger homeobox 2; minus strand). Cytogenetic location: 14q11.2.
Variant type: single nucleotide variant.
Coding change: c.2373C>T on transcript NM_033400.3 (MANE Select); coding-DNA position 2373, C replaced by T.
Protein change: p.His791=; no amino-acid change (histidine 791 retained).
Molecular consequence: synonymous variant.
Genome position (GRCh38, 1-based): chr14:23,532,753, G>A on the plus strand (C>T on the coding strand, the complement: ZFHX2 is on the minus strand). VCF-style: chr14-23532753-G-A. GRCh37 (hg19) VCF-style: chr14-24001962-G-A.
Identifiers: ClinVar variation 3035847 (VCV003035847.2), dbSNP rs545661382, ClinGen allele CA7117071.

ClinVar aggregate classification (germline): Likely benign (0 of 4 stars; one submission).

Conditions:
ZFHX2-related disorder. Also called: ZFHX2-related condition.

Allele frequency attached by ClinVar (database versions not stated): TOPMed 0.00001; gnomAD 0.00003; 1000 Genomes Project 0.00020; 1000 Genomes Project 30x 0.00031.
gnomAD v4.1: 10 of 1,536,240 alleles (0.00065%); highest among the groups gnomAD compares: African/African-American, 0.0068%; no homozygotes.

Submission:

PreventionGenetics, part of Exact Sciences
Classification: Likely benign for ZFHX2-related condition. Last evaluated: 2019-07-30. Review status: no assertion criteria provided. Collection method: clinical testing. Allele origin: germline.
Comment: This variant is classified as likely benign based on ACMG/AMP sequence variant interpretation guidelines (Richards et al. 2015 PMID: 25741868, with internal and published modifications).